The following is an entry in ClinVar:

NM_006389.5(HYOU1):c.1631A>C (p.Asn544Thr)

Gene: HYOU1 (hypoxia up-regulated 1; minus strand). Cytogenetic location: 11q23.3.
Variant type: single nucleotide variant.
Coding change: c.1631A>C on transcript NM_006389.5 (MANE Select); coding-DNA position 1631, A replaced by C.
Protein change: p.Asn544Thr; replaces asparagine 544 with threonine.
Molecular consequence: missense variant.
Genome position (GRCh38, 1-based): chr11:119,051,069, T>G on the plus strand (A>C on the coding strand, the complement: HYOU1 is on the minus strand). VCF-style: chr11-119051069-T-G. GRCh37 (hg19) VCF-style: chr11-118921781-T-G.
Other names: c.1631A>C, p.Asn544Thr (NM_001130991.3, NM_001411041.1); c.1631A>C (NM_006389.3); short protein forms N544T.
Identifiers: ClinVar variation 2175908 (VCV002175908.6), dbSNP rs782011102, ClinGen allele CA229621393.
Genomic context (GRCh38, chr11:119,051,069, plus strand): 5'-CACACAGGGTATCCTTTAGCTCTCACCCTGTCTAGACTGAGCACGCCACTCTCATCCAGG[T>G]TGAAGTGAGCCTTGATGCCCTTGGACTCGTAGTCAGGATACTTCTTGAAGCTGTCACCCA-3'
Protein context (NP_006380.1, residues 534-554): YESKGIKAHF[Asn544Thr]LDESGVLSLD

ClinVar aggregate classification (germline): Uncertain significance. Review status: criteria provided, multiple submitters, no conflicts (2 of 4 stars). 2 submissions from 2 submitters: Uncertain significance (2). Last evaluated 2025-11-03.

Allele frequency attached by ClinVar (database versions not stated): gnomAD exomes 0.00001.
gnomAD v4.1: 13 of 1,614,240 alleles (0.00081%); highest among the groups gnomAD compares: Admixed American, 0.005%; no homozygotes.

Submissions (2):

Labcorp Genetics (formerly Invitae), Labcorp
Classification: Uncertain significance. Last evaluated: 2025-11-03. Review status: criteria provided, single submitter. Criteria: Invitae Variant Classification Sherloc (09022015). Collection method: clinical testing. Allele origin: germline.
Comment: This sequence change replaces asparagine, which is neutral and polar, with threonine, which is neutral and polar, at codon 544 of the HYOU1 protein (p.Asn544Thr). This variant is present in population databases (rs782011102, gnomAD 0.003%). This variant has not been reported in the literature in individuals affected with HYOU1-related conditions. ClinVar contains an entry for this variant (Variation ID: 2175908). An algorithm developed to predict the effect of missense changes on protein structure and function (PolyPhen-2) suggests that this variant is likely to be tolerated. In summary, the available evidence is currently insufficient to determine the role of this variant in disease. Therefore, it has been classified as a Variant of Uncertain Significance.

Ambry Genetics
Classification: Uncertain significance. Last evaluated: 2024-08-26. Review status: criteria provided, single submitter. Criteria: Ambry Variant Classification Scheme 2023. Collection method: clinical testing. Allele origin: germline.